The following is an entry in ClinVar:

ClinVar aggregate classification (germline): Pathogenic (1 of 4 stars; one submission).

Conditions:
Dilated cardiomyopathy 1CC (CMD1CC). Identifiers: Orphanet 154, MedGen C2751084, MONDO:0013147, OMIM 613122.
Hypertrophic cardiomyopathy 20. Identifiers: MedGen C3151267, MONDO:0013477, OMIM 613876.

Submission:

Labcorp Genetics (formerly Invitae), Labcorp
Classification: Pathogenic for Dilated cardiomyopathy 1CC; Hypertrophic cardiomyopathy 20. Last evaluated: 2026-01-15. Review status: criteria provided, single submitter. Criteria: Invitae Variant Classification Sherloc (09022015). Collection method: clinical testing. Allele origin: germline.
Comment: This sequence change creates a premature translational stop signal (p.Lys119Glufs*15) in the NEXN gene. It is expected to result in an absent or disrupted protein product. Loss-of-function variants in NEXN are known to be pathogenic (PMID: 19881492, 32058062, 32814711, 32870709, 33949776, 38059363, 40680702). This variant is not present in population databases (gnomAD no frequency). This variant has not been reported in the literature in individuals affected with NEXN-related conditions. ClinVar contains an entry for this variant (Variation ID: 2023692). For these reasons, this variant has been classified as Pathogenic.

Literature cited by the submitters: PubMed 19881492; PubMed 32058062; PubMed 32814711; PubMed 32870709; PubMed 33949776; PubMed 38059363; PubMed 40680702.

NM_144573.4(NEXN):c.354_357del (p.Lys119fs)

Genes: NEXN (nexilin F-actin binding protein; plus strand), LOC126805765 (BRD4-independent group 4 enhancer GRCh37_chr1:78383688-78384887; plus strand). Cytogenetic location: 1p31.1.
Variant type: Deletion.
Coding change: c.354_357del on transcript NM_144573.4 (MANE Select); coding-DNA positions 354 to 357, 4 bases deleted (GAAG; older notation c.354_357delGAAG).
Protein change: p.Lys119fs; shifts the reading frame from lysine 119.
Molecular consequence: frameshift variant.
Genome position (GRCh38, 1-based): chr1:77,918,180-77,918,183, GAAG deleted; deleting any 4 consecutive bases within chr1:77,918,177-77,918,183 gives the same sequence; the c. name uses the placement nearest the transcript's 3' end. VCF-style (leftmost placement, unchanged base first): chr1-77918176-AAAGG-A. GRCh37 (hg19) VCF-style: chr1-78383861-AAAGG-A.
Other names: c.162_165del, p.Lys55fs (NM_001172309.2); short protein forms K119fs, K55fs.
Identifiers: ClinVar variation 2023692 (VCV002023692.4), dbSNP rs2526788988, ClinGen allele CA2580063257.